The following is an entry in ClinVar:

NM_133642.5(LARGE1):c.222G>T (p.Glu74Asp)

Gene: LARGE1 (LARGE xylosyl- and glucuronyltransferase 1; minus strand). Cytogenetic location: 22q12.3.
Variant type: single nucleotide variant.
Coding change: c.222G>T on transcript NM_133642.5 (MANE Select); coding-DNA position 222, G replaced by T.
Protein change: p.Glu74Asp; replaces glutamic acid 74 with aspartic acid.
Molecular consequence: missense variant.
Genome position (GRCh38, 1-based): chr22:33,650,553, C>A on the plus strand (G>T on the coding strand, the complement: LARGE1 is on the minus strand). VCF-style: chr22-33650553-C-A. GRCh37 (hg19) VCF-style: chr22-34046539-C-A.
Other names: c.222G>T (NM_004737.4); c.222G>T, p.Glu74Asp (NM_001362949.2, NM_001362951.2, NM_001362953.2 and 7 more transcripts); short protein forms E74D.
Identifiers: ClinVar variation 1011354 (VCV001011354.10), dbSNP rs373261094, ClinGen allele CA10203121.

ClinVar aggregate classification (germline): Uncertain significance. Review status: criteria provided, multiple submitters, no conflicts (2 of 4 stars). 2 submissions from 2 submitters: Uncertain significance (2). Last evaluated 2022-11-14.

Conditions:
Inborn genetic diseases. Identifiers: MedGen C0950123, MeSH D030342.
Muscular dystrophy-dystroglycanopathy type B6 (MDDGB6). Also called: MUSCULAR DYSTROPHY-DYSTROGLYCANOPATHY (CONGENITAL WITH IMPAIRED INTELLECTUAL DEVELOPMENT), TYPE B, 6; MUSCULAR DYSTROPHY, CONGENITAL, LARGE-RELATED; MUSCULAR DYSTROPHY, CONGENITAL, TYPE 1D. Identifiers: MedGen C1837229, MONDO:0012138, OMIM 608840.

Allele frequency attached by ClinVar (database versions not stated): gnomAD exomes below 0.00001; ExAC 0.00001; gnomAD 0.00001; ESP Exome Variant Server 0.00008.
gnomAD v4.1: 4 of 1,608,918 alleles (0.00025%); highest among the groups gnomAD compares: African/African-American, 0.0013%; no homozygotes.

Submissions (2):

Ambry Genetics
Classification: Uncertain significance for Inborn genetic diseases. Last evaluated: 2022-11-14. Review status: criteria provided, single submitter. Criteria: Ambry Variant Classification Scheme 2023. Collection method: clinical testing. Allele origin: germline.

Labcorp Genetics (formerly Invitae), Labcorp
Classification: Uncertain significance for Muscular dystrophy-dystroglycanopathy type B6. Last evaluated: 2020-02-27. Review status: criteria provided, single submitter. Criteria: Invitae Variant Classification Sherloc (09022015). Collection method: clinical testing. Allele origin: germline.
Comment: This sequence change replaces glutamic acid with aspartic acid at codon 74 of the LARGE1 protein (p.Glu74Asp). The glutamic acid residue is moderately conserved and there is a small physicochemical difference between glutamic acid and aspartic acid. This variant is present in population databases (rs373261094, ExAC 0.002%). This variant has not been reported in the literature in individuals with LARGE1-related conditions. Algorithms developed to predict the effect of missense changes on protein structure and function are either unavailable or do not agree on the potential impact of this missense change (SIFT: "Deleterious"; PolyPhen-2: "Benign"; Align-GVGD: "Class C0"). In summary, the available evidence is currently insufficient to determine the role of this variant in disease. Therefore, it has been classified as a Variant of Uncertain Significance.